The following is an entry in ClinVar:

ClinVar aggregate classification (germline): Pathogenic (1 of 4 stars; one submission).

Conditions:
Orofacial-digital syndrome IV (OFD4). Also called: Orofaciodigital syndrome IV; BARAITSER-BURN SYNDROME; OFD SYNDROME WITH TIBIAL DEFECTS; OFD SYNDROME, BARAITSER-BURN TYPE; OFDS IV; ORAL-FACIAL-DIGITAL SYNDROME, TYPE IV. Identifiers: Orphanet 2753, MedGen C0406727, MONDO:0009794, OMIM 258860.
Joubert syndrome 18 (JBTS18). Identifiers: Orphanet 2754, MedGen C3553758, MONDO:0013896, OMIM 614815.

Submission:

Labcorp Genetics (formerly Invitae), Labcorp
Classification: Pathogenic for Joubert syndrome 18; Orofacial-digital syndrome IV. Last evaluated: 2019-02-11. Review status: criteria provided, single submitter. Criteria: Invitae Variant Classification Sherloc (09022015). Collection method: clinical testing. Allele origin: germline.
Comment: This sequence change creates a premature translational stop signal (p.Arg475Serfs*10) in the TCTN3 gene. It is expected to result in an absent or disrupted protein product. This variant is not present in population databases (ExAC no frequency). This variant has not been reported in the literature in individuals with TCTN3-related conditions. Loss-of-function variants in TCTN3 are known to be pathogenic (PMID: 2692869, 22883145, 25118024). For these reasons, this variant has been classified as Pathogenic.

NM_015631.6(TCTN3):c.1423_1429del (p.Arg475fs)

Gene: TCTN3 (tectonic family member 3; minus strand). Cytogenetic location: 10q24.1.
Variant type: Deletion.
Coding change: c.1423_1429del on transcript NM_015631.6 (MANE Select); coding-DNA positions 1423 to 1429, 7 bases deleted (AGGATCC; older notation c.1423_1429delAGGATCC).
Protein change: p.Arg475fs; shifts the reading frame from arginine 475.
Molecular consequence: frameshift variant.
Genome position (GRCh38, 1-based): chr10:95,682,674-95,682,680, GGATCCT deleted on the plus strand (AGGATCC on the coding strand, the reverse complement: TCTN3 is on the minus strand); deleting any 7 consecutive bases within chr10:95,682,674-95,682,682 gives the same sequence; the c. name uses the placement nearest the transcript's 3' end. VCF-style (leftmost placement, unchanged base first): chr10-95682673-AGGATCCT-A. GRCh37 (hg19) VCF-style: chr10-97442430-AGGATCCT-A.
Other names: c.979_985del, p.Arg327fs (NM_001143973.2); short protein forms R327fs, R475fs.
Identifiers: ClinVar variation 649506 (VCV000649506.2), dbSNP rs1589613893, ClinGen allele CA915947525.